The following is an entry in ClinVar:

ClinVar aggregate classification (germline): Uncertain significance. Review status: criteria provided, multiple submitters, no conflicts (2 of 4 stars). 4 submissions from 4 submitters: Uncertain significance (4). Last evaluated 2025-10-18.

Conditions:
Hereditary cancer-predisposing syndrome. Also called: Hereditary neoplastic syndrome; Neoplastic Syndromes, Hereditary; Tumor predisposition; Hereditary Cancer Syndrome. Identifiers: Orphanet 140162, MedGen C0027672, MeSH D009386, MONDO:0015356.
Familial adenomatous polyposis 1 (FAP1). Also called: FAMILIAL ADENOMATOUS POLYPOSIS 1, ATTENUATED; POLYPOSIS, ADENOMATOUS INTESTINAL. Identifiers: MedGen C2713442, MONDO:0021056, OMIM 175100. Disease mechanism: loss of function.

Allele frequency attached by ClinVar (database versions not stated): gnomAD 0.00001.
gnomAD v4.1: 1 of 1,614,000 alleles (0.000062%); highest among the groups gnomAD compares: African/African-American, 0.0013%; no homozygotes.

Submissions (4):

Labcorp Genetics (formerly Invitae), Labcorp
Classification: Uncertain significance for Familial adenomatous polyposis 1. Last evaluated: 2025-10-18. Review status: criteria provided, single submitter. Criteria: Invitae Variant Classification Sherloc (09022015). Collection method: clinical testing. Allele origin: germline.
Comment: This sequence change replaces glycine, which is neutral and non-polar, with arginine, which is basic and polar, at codon 1499 of the APC protein (p.Gly1499Arg). This variant is present in population databases (no rsID available, gnomAD 0.01%). This variant has not been reported in the literature in individuals affected with APC-related conditions. ClinVar contains an entry for this variant (Variation ID: 246020). Invitae Evidence Modeling of protein sequence and biophysical properties (such as structural, functional, and spatial information, amino acid conservation, physicochemical variation, residue mobility, and thermodynamic stability) indicates that this missense variant is not expected to disrupt APC protein function with a negative predictive value of 95%. In summary, the available evidence is currently insufficient to determine the role of this variant in disease. Therefore, it has been classified as a Variant of Uncertain Significance.

Ambry Genetics
Classification: Uncertain significance for Hereditary cancer-predisposing syndrome. Last evaluated: 2024-08-07. Review status: criteria provided, single submitter. Criteria: Ambry Variant Classification Scheme 2023. Collection method: clinical testing. Allele origin: germline.
Comment: The p.G1499R variant (also known as c.4495G>A), located in coding exon 15 of the APC gene, results from a G to A substitution at nucleotide position 4495. The glycine at codon 1499 is replaced by arginine, an amino acid with dissimilar properties. This amino acid position is highly conserved in available vertebrate species. In addition, in silico predictors for this gene do not accurately predict pathogenicity. Missense alterations in APC are not a common cause of disease (Spier I et al. Genet Med. 2024 Feb;26(2):100992). Based on the available evidence, the clinical significance of this variant remains unclear.

GeneDx
Classification: Uncertain significance. Last evaluated: 2023-04-25. Review status: criteria provided, single submitter. Criteria: GeneDx Variant Classification Process June 2021. Collection method: clinical testing. Allele origin: germline. Affected: yes.
Comment: Not observed at significant frequency in large population cohorts (gnomAD); In silico analysis supports that this missense variant does not alter protein structure/function; Has not been previously published as pathogenic or benign to our knowledge; This variant is associated with the following publications: (PMID: 22848674, 18199528)

Color Diagnostics, LLC DBA Color Health
Classification: Uncertain significance for Hereditary cancer-predisposing syndrome. Last evaluated: 2019-01-18. Review status: criteria provided, single submitter. Criteria: ACMG Guidelines, 2015. Collection method: clinical testing. Allele origin: germline.

NM_000038.6(APC):c.4495G>A (p.Gly1499Arg)

Gene: APC (APC regulator of Wnt signaling pathway; plus strand). Cytogenetic location: 5q22.2.
Variant type: single nucleotide variant.
Coding change: c.4495G>A on transcript NM_000038.6 (MANE Select); coding-DNA position 4495, G replaced by A.
Protein change: p.Gly1499Arg; replaces glycine 1499 with arginine.
Molecular consequence: missense variant.
Genome position (GRCh38, 1-based): chr5:112,840,089, G>A. VCF-style: chr5-112840089-G-A. GRCh37 (hg19) VCF-style: chr5-112175786-G-A.
Other names: c.4495G>A, p.Gly1499Arg (NM_001127510.3, NM_001354895.2); c.4441G>A, p.Gly1481Arg (NM_001127511.3); c.4549G>A, p.Gly1517Arg (NM_001354896.2); c.4525G>A, p.Gly1509Arg (NM_001354897.2); c.4420G>A, p.Gly1474Arg (NM_001354898.2); c.4411G>A, p.Gly1471Arg (NM_001354899.2); c.4372G>A, p.Gly1458Arg (NM_001354900.2); c.4318G>A, p.Gly1440Arg (NM_001354901.2); and 5 more; short protein forms G1481R, G1499R, G1398R, G1440R, G1471R, G1216R, G1373R, G1458R.
Identifiers: ClinVar variation 246020 (VCV000246020.11), dbSNP rs756912930, ClinGen allele CA10584251.
Genomic context (GRCh38, chr5:112,840,089, plus strand): 5'-GTCCAGGTTCTTCCAGATGCTGATACTTTATTACATTTTGCCACGGAAAGTACTCCAGAT[G>A]GATTTTCTTGTTCATCCAGCCTGAGTGCTCTGAGCCTCGATGAGCCATTTATACAGAAAG-3'
Protein context (NP_000029.2, residues 1489-1509): LHFATESTPD[Gly1499Arg]FSCSSSLSAL